The following is an entry in ClinVar:

ClinVar aggregate classification (germline): Likely pathogenic (1 of 4 stars; one submission).

Conditions:
Catecholaminergic polymorphic ventricular tachycardia 1. Also called: VENTRICULAR TACHYCARDIA, CATECHOLAMINERGIC POLYMORPHIC, 1, WITH OR WITHOUT ATRIAL DYSFUNCTION AND/OR DILATED CARDIOMYOPATHY; VENTRICULAR TACHYCARDIA, STRESS-INDUCED POLYMORPHIC 1; RYR2-Related Catecholaminergic Polymorphic Ventricular Tachycardia. Identifiers: Orphanet 3286, MedGen C1631597, MONDO:0011484, OMIM 604772.

Submission:

Labcorp Genetics (formerly Invitae), Labcorp
Classification: Likely pathogenic for Catecholaminergic polymorphic ventricular tachycardia 1. Last evaluated: 2022-07-19. Review status: criteria provided, single submitter. Criteria: Invitae Variant Classification Sherloc (09022015). Collection method: clinical testing. Allele origin: germline.
Comment: Algorithms developed to predict the effect of sequence changes on RNA splicing suggest that this variant is not likely to affect RNA splicing. Advanced modeling of protein sequence and biophysical properties (such as structural, functional, and spatial information, amino acid conservation, physicochemical variation, residue mobility, and thermodynamic stability) performed at Invitae indicates that this missense variant is expected to disrupt RYR2 protein function. ClinVar contains an entry for this variant (Variation ID: 581079). This variant has not been reported in the literature in individuals affected with RYR2-related conditions. This variant is not present in population databases (gnomAD no frequency). This sequence change replaces valine, which is neutral and non-polar, with alanine, which is neutral and non-polar, at codon 3875 of the RYR2 protein (p.Val3875Ala). This variant disrupts the p.Val3875 amino acid residue in RYR2. Other variant(s) that disrupt this residue have been determined to be pathogenic (Invitae). This suggests that this residue is clinically significant, and that variants that disrupt this residue are likely to be disease-causing. In summary, the currently available evidence indicates that the variant is pathogenic, but additional data are needed to prove that conclusively. Therefore, this variant has been classified as Likely Pathogenic.

NM_001035.3(RYR2):c.11624T>C (p.Val3875Ala)

Gene: RYR2 (ryanodine receptor 2; plus strand). Cytogenetic location: 1q43.
Variant type: single nucleotide variant.
Coding change: c.11624T>C on transcript NM_001035.3 (MANE Select); coding-DNA position 11624, T replaced by C.
Protein change: p.Val3875Ala; replaces valine 3875 with alanine.
Molecular consequence: missense variant.
Genome position (GRCh38, 1-based): chr1:237,772,078, T>C. VCF-style: chr1-237772078-T-C. GRCh37 (hg19) VCF-style: chr1-237935378-T-C.
Other names: c.11624T>C, p.Val3875Ala (LRG_402t1); short protein forms V3875A.
Identifiers: ClinVar variation 581079 (VCV000581079.10), dbSNP rs1558381851, ClinGen allele CA345407229.